The following is an entry in ClinVar:

NM_004444.5(EPHB4):c.2475C>T (p.Ser825=)

Genes: EPHB4 (EPH receptor B4; minus strand), LOC126860124 (CDK7 strongly-dependent group 2 enhancer GRCh37_chr7:100403701-100404900; plus strand). Cytogenetic location: 7q22.1.
Variant type: single nucleotide variant.
Coding change: c.2475C>T on transcript NM_004444.5 (MANE Select); coding-DNA position 2475, C replaced by T.
Protein change: p.Ser825=; no amino-acid change (serine 825 retained).
Molecular consequence: synonymous variant.
Genome position (GRCh38, 1-based): chr7:100,806,429, G>A on the plus strand (C>T on the coding strand, the complement: EPHB4 is on the minus strand). VCF-style: chr7-100806429-G-A. GRCh37 (hg19) VCF-style: chr7-100404051-G-A.
Identifiers: ClinVar variation 3600500 (VCV003600500.1).

ClinVar aggregate classification (germline): Uncertain significance (1 of 4 stars; one submission).

Conditions:
Capillary malformation-arteriovenous malformation 2 (CMAVM2). Identifiers: Orphanet 693912, MedGen C4748670, MONDO:0020785, OMIM 618196.

gnomAD v4.1: 23 of 1,613,430 alleles (0.0014%); highest among the groups gnomAD compares: Non-Finnish European, 0.0018%; no homozygotes.

Submission:

Clinical Genomics Laboratory, Washington University in St. Louis
Classification: Uncertain significance for Capillary malformation-arteriovenous malformation 2. Last evaluated: 2024-07-08. Review status: criteria provided, single submitter. Criteria: ACMG Guidelines, 2015. Collection method: clinical testing. Allele origin: germline.
Comment: A EPHB4 c.2475C>T (p.Ser825=) variant was identified at a near heterozygous allelic fraction which may be consistent with germline origin. This variant, to our knowledge, has not been reported in the medical literature and is observed on 23/1,613,430 alleles in the general population (gnomAD v4.1.0). Computational predictors are uncertain as to the impact of this variant on EPHB4 function. Due to limited information, and based on ACMG/AMP guidelines for variant interpretation (Richards S et al., PMID: 25741868), the clinical significance of the EPHB4 c.2475C>T (p.Ser825=) variant is uncertain at this time.